The following is an entry in ClinVar:

NM_005419.4(STAT2):c.944C>G (p.Ala315Gly)

Gene: STAT2 (signal transducer and activator of transcription 2; minus strand). Cytogenetic location: 12q13.3.
Variant type: single nucleotide variant.
Coding change: c.944C>G on transcript NM_005419.4 (MANE Select); coding-DNA position 944, C replaced by G.
Protein change: p.Ala315Gly; replaces alanine 315 with glycine.
Molecular consequence: missense variant.
Genome position (GRCh38, 1-based): chr12:56,351,188, G>C on the plus strand (C>G on the coding strand, the complement: STAT2 is on the minus strand). VCF-style: chr12-56351188-G-C. GRCh37 (hg19) VCF-style: chr12-56744972-G-C.
Other names: c.932C>G, p.Ala311Gly (NM_001385110.1, NM_001385115.1, NM_198332.2); c.944C>G, p.Ala315Gly (NM_001385111.1, NM_001385113.1, NM_001385114.1); short protein forms A311G, A315G.
Identifiers: ClinVar variation 1500504 (VCV001500504.6), dbSNP rs774550841, ClinGen allele CA6630705.

ClinVar aggregate classification (germline): Uncertain significance (1 of 4 stars; one submission).

Conditions:
Primary immunodeficiency with post-measles-mumps-rubella vaccine viral infection. Also called: Immunodeficiency 44. Identifiers: Orphanet 431166, MedGen C4225260, MONDO:0014715, OMIM 616636.

Allele frequency attached by ClinVar (database versions not stated): ExAC 0.00001; gnomAD 0.00001; gnomAD exomes 0.00001.

Submission:

Labcorp Genetics (formerly Invitae), Labcorp
Classification: Uncertain significance for Primary immunodeficiency with post-measles-mumps-rubella vaccine viral infection. Last evaluated: 2021-05-27. Review status: criteria provided, single submitter. Criteria: Invitae Variant Classification Sherloc (09022015). Collection method: clinical testing. Allele origin: germline.
Comment: This variant has not been reported in the literature in individuals with STAT2-related conditions. In summary, the available evidence is currently insufficient to determine the role of this variant in disease. Therefore, it has been classified as a Variant of Uncertain Significance. Algorithms developed to predict the effect of missense changes on protein structure and function (SIFT, PolyPhen-2, Align-GVGD) all suggest that this variant is likely to be tolerated, but these predictions have not been confirmed by published functional studies and their clinical significance is uncertain. This variant is present in population databases (rs774550841, ExAC 0.002%). This sequence change replaces alanine with glycine at codon 315 of the STAT2 protein (p.Ala315Gly). The alanine residue is weakly conserved and there is a small physicochemical difference between alanine and glycine.